The following is an entry in ClinVar:

NM_004958.4(MTOR):c.1208G>A (p.Arg403Gln)

Gene: MTOR (mechanistic target of rapamycin kinase; minus strand). Cytogenetic location: 1p36.22.
Variant type: single nucleotide variant.
Coding change: c.1208G>A on transcript NM_004958.4 (MANE Select); coding-DNA position 1208, G replaced by A.
Protein change: p.Arg403Gln; replaces arginine 403 with glutamine.
Molecular consequence: missense variant. On other transcripts: intron variant (1).
Genome position (GRCh38, 1-based): chr1:11,247,642, C>T on the plus strand (G>A on the coding strand, the complement: MTOR is on the minus strand). VCF-style: chr1-11247642-C-T. GRCh37 (hg19) VCF-style: chr1-11307699-C-T.
Other names: c.1208G>A, p.Arg403Gln (NM_001386500.1); c.-24+177G>A (NM_001386501.1); short protein forms R403Q.
Identifiers: ClinVar variation 4709366 (VCV004709366.1).
Genomic context (GRCh38, chr1:11,247,642, plus strand): 5'-TTACCCTGAGATGGGTAATGATGTCTTCCATGGACATCCTCACCTGTGAAGGCAGAAGGT[C>T]GGAATGCAGCCAAGCGGGGCAACAAATTAAGGATTGTCATTTGGATCAGCGAGTTCTTGC-3'
Protein context (NP_004949.1, residues 393-413): LNLLPRLAAF[Arg403Gln]PSAFTDTQYL

ClinVar aggregate classification (germline): Uncertain significance (1 of 4 stars; one submission).

gnomAD v4.1: 6 of 1,613,944 alleles (0.00037%); highest among the groups gnomAD compares: South Asian, 0.0022%; no homozygotes.

Submission:

Labcorp Genetics (formerly Invitae), Labcorp
Classification: Uncertain significance. Last evaluated: 2025-04-08. Review status: criteria provided, single submitter. Criteria: Invitae Variant Classification Sherloc (09022015). Collection method: clinical testing. Allele origin: germline.
Comment: This sequence change replaces arginine, which is basic and polar, with glutamine, which is neutral and polar, at codon 403 of the MTOR protein (p.Arg403Gln). This variant is present in population databases (no rsID available, gnomAD 0.0009%). This variant has not been reported in the literature in individuals affected with MTOR-related conditions. Invitae Evidence Modeling of protein sequence and biophysical properties (such as structural, functional, and spatial information, amino acid conservation, physicochemical variation, residue mobility, and thermodynamic stability) indicates that this missense variant is not expected to disrupt MTOR protein function with a negative predictive value of 95%. In summary, the available evidence is currently insufficient to determine the role of this variant in disease. Therefore, it has been classified as a Variant of Uncertain Significance.